The following is an entry in ClinVar:

ClinVar aggregate classification (germline): Uncertain significance (1 of 4 stars; one submission).

Conditions:
Immunodeficiency 14 (IMD14A). Also called: p110-DELTA-ACTIVATING MUTATION CAUSING SENESCENT T CELLS, LYMPHADENOPATHY, AND IMMUNODEFICIENCY; ACTIVATED PI3K-DELTA SYNDROME 1; Activated PI3K Delta Syndrome Type 1 (APDS1); IMMUNODEFICIENCY 14A WITH LYMPHOPROLIFERATION, AUTOSOMAL DOMINANT. Identifiers: Orphanet 397596, Orphanet 693661, MedGen C5907821, MONDO:0014222, OMIM 615513.

gnomAD v4.1: 1 of 1,613,494 alleles (0.000062%); highest among the groups gnomAD compares: Non-Finnish European, 0.000085%; no homozygotes.

Submission:

Labcorp Genetics (formerly Invitae), Labcorp
Classification: Uncertain significance for Activated PI3K-delta syndrome. Last evaluated: 2025-11-24. Review status: criteria provided, single submitter. Criteria: Invitae Variant Classification Sherloc (09022015). Collection method: clinical testing. Allele origin: germline.
Comment: This sequence change replaces methionine, which is neutral and non-polar, with leucine, which is neutral and non-polar, at codon 788 of the PIK3CD protein (p.Met788Leu). This variant is not present in population databases (gnomAD no frequency). This variant has not been reported in the literature in individuals affected with PIK3CD-related conditions. Invitae Evidence Modeling of protein sequence and biophysical properties (such as structural, functional, and spatial information, amino acid conservation, physicochemical variation, residue mobility, and thermodynamic stability) indicates that this missense variant is expected to disrupt PIK3CD protein function with a positive predictive value of 80%. In summary, the available evidence is currently insufficient to determine the role of this variant in disease. Therefore, it has been classified as a Variant of Uncertain Significance.

NM_005026.5(PIK3CD):c.2362A>T (p.Met788Leu)

Gene: PIK3CD (phosphatidylinositol-4,5-bisphosphate 3-kinase catalytic subunit delta; plus strand). Cytogenetic location: 1p36.22.
Variant type: single nucleotide variant.
Coding change: c.2362A>T on transcript NM_005026.5 (MANE Select); coding-DNA position 2362, A replaced by T.
Protein change: p.Met788Leu; replaces methionine 788 with leucine.
Molecular consequence: missense variant.
Genome position (GRCh38, 1-based): chr1:9,722,542, A>T. VCF-style: chr1-9722542-A-T. GRCh37 (hg19) VCF-style: chr1-9782600-A-T.
Other names: c.2359A>T, p.Met787Leu (NM_001350234.2, NM_001439206.1); c.2275A>T, p.Met759Leu (NM_001350235.1); c.2362A>T, p.Met788Leu (NM_001437546.1); c.2218A>T, p.Met740Leu (NM_001437547.1, NM_001438338.1); short protein forms M740L, M759L, M787L, M788L.
Identifiers: ClinVar variation 4725547 (VCV004725547.1).